The following is an entry in ClinVar:

ClinVar aggregate classification (germline): Pathogenic (1 of 4 stars; one submission).

Conditions:
Autosomal recessive limb-girdle muscular dystrophy type 2O. Also called: Limb-Girdle Muscular Dystrophy Type 3C; MUSCULAR DYSTROPHY-DYSTROGLYCANOPATHY (LIMB-GIRDLE), TYPE C, 3; MUSCULAR DYSTROPHY-DYSTROGLYCANOPATHY, LIMB-GIRDLE, POMGNT1-RELATED. Identifiers: Orphanet 206564, MedGen C3150417, MONDO:0013161, OMIM 613157.
Muscular dystrophy-dystroglycanopathy (congenital with impaired intellectual development), type B, 3. Also called: MUSCULAR DYSTROPHY, CONGENITAL, POMGNT1-RELATED; Muscular dystrophy-dystroglycanopathy (congenital with intellectual disability), type B3. Identifiers: MedGen C3150412, MONDO:0013155, OMIM 613151.

Submission:

Labcorp Genetics (formerly Invitae), Labcorp
Classification: Pathogenic for Autosomal recessive limb-girdle muscular dystrophy type 2O; Muscular dystrophy-dystroglycanopathy (congenital with impaired intellectual development), type B, 3. Last evaluated: 2022-10-24. Review status: criteria provided, single submitter. Criteria: Invitae Variant Classification Sherloc (09022015). Collection method: clinical testing. Allele origin: germline.
Comment: This sequence change creates a premature translational stop signal (p.Leu196Trpfs*45) in the POMGNT1 gene. It is expected to result in an absent or disrupted protein product. Loss-of-function variants in POMGNT1 are known to be pathogenic (PMID: 19299310, 20816175, 21447391, 26908613, 27391550). This variant is present in population databases (rs753827372, gnomAD 0.002%). This variant has not been reported in the literature in individuals affected with POMGNT1-related conditions. For these reasons, this variant has been classified as Pathogenic.

Literature cited by the submitters: PubMed 19299310; PubMed 20816175; PubMed 21447391; PubMed 26908613; PubMed 27391550.

NM_017739.4(POMGNT1):c.586del (p.Leu196fs)

Genes: POMGNT1 (protein O-linked mannose N-acetylglucosaminyltransferase 1 (beta 1,2-); minus strand), TSPAN1 (tetraspanin 1; plus strand). Cytogenetic location: 1p34.1.
Variant type: Deletion.
Coding change: c.586del on transcript NM_017739.4 (MANE Select); coding-DNA position 586, one base deleted (C; older notation c.586delC).
Protein change: p.Leu196fs; shifts the reading frame from leucine 196.
Molecular consequence: frameshift variant.
Genome position (GRCh38, 1-based): chr1:46,194,910, G deleted on the plus strand (C on the coding strand, the reverse complement: POMGNT1 is on the minus strand); the first of 2 consecutive G bases (chr1:46,194,910-46,194,911); deleting either gives the same sequence. VCF-style (leftmost placement, unchanged base first): chr1-46194909-AG-A. GRCh37 (hg19) VCF-style: chr1-46660581-AG-A.
Other names: c.586del, p.Leu196fs (NM_001243766.2, NM_001410783.1); c.519delC, p.Leu174Trpfs (NM_001290129.3); c.157del, p.Leu53fs (NM_001290130.2); short protein forms L174fs, L196fs, L53fs.
Identifiers: ClinVar variation 2018035 (VCV002018035.4), dbSNP rs753827372, ClinGen allele CA833678.